The following is an entry in ClinVar:

ClinVar aggregate classification (germline): Likely pathogenic (1 of 4 stars; one submission).

Conditions:
Short stature and advanced bone age, with or without early-onset osteoarthritis and/or osteochondritis dissecans (SSOAOD). Identifiers: Orphanet 251262, MedGen C3665488, MONDO:0100462, OMIM 165800.

Submission:

3billion
Classification: Likely pathogenic for Short stature and advanced bone age, with or without early-onset osteoarthritis and/or osteochondritis dissecans. Review status: criteria provided, single submitter. Criteria: ACMG Guidelines, 2015. Collection method: clinical testing. Allele origin: unknown. Affected: yes. Observed: 1 heterozygote.
Comment: The variant is not observed in the gnomAD v2.1.1 dataset. The variant is predicted to result in a loss or disruption of normal protein function through nonsense-mediated decay (NMD) or protein truncation. Multiple pathogenic variants are reported downstream of the variant. Therefore, this variant is classified as Likely pathogenic according to the recommendation of ACMG/AMP guideline.

NM_001369268.1(ACAN):c.5766T>G (p.Tyr1922Ter)

Gene: ACAN (aggrecan; plus strand). Cytogenetic location: 15q26.1.
Variant type: single nucleotide variant.
Coding change: c.5766T>G on transcript NM_001369268.1 (MANE Select); coding-DNA position 5766, T replaced by G.
Protein change: p.Tyr1922Ter; replaces tyrosine 1922 with a stop codon.
Molecular consequence: nonsense.
Genome position (GRCh38, 1-based): chr15:88,858,351, T>G. VCF-style: chr15-88858351-T-G. GRCh37 (hg19) VCF-style: chr15-89401582-T-G.
Other names: c.5766T>G, p.Tyr1922Ter (NM_001135.4, NM_001411096.1, NM_001411097.1 and 1 more transcripts); short protein forms Y1922*.
Identifiers: ClinVar variation 2572596 (VCV002572596.1), dbSNP rs2505327864, ClinGen allele CA393725524.